The following is an entry in ClinVar:

NM_000090.4(COL3A1):c.676C>T (p.Pro226Ser)

Gene: COL3A1 (collagen type III alpha 1 chain; plus strand). Cytogenetic location: 2q32.2.
Variant type: single nucleotide variant.
Coding change: c.676C>T on transcript NM_000090.4 (MANE Select); coding-DNA position 676, C replaced by T.
Protein change: p.Pro226Ser; replaces proline 226 with serine.
Molecular consequence: missense variant.
Genome position (GRCh38, 1-based): chr2:188,989,435, C>T. VCF-style: chr2-188989435-C-T. GRCh37 (hg19) VCF-style: chr2-189854161-C-T.
Other names: short protein forms P226S.
Identifiers: ClinVar variation 2855050 (VCV002855050.3), dbSNP rs768997695, ClinGen allele CA349848847.

ClinVar aggregate classification (germline): Uncertain significance (1 of 4 stars; one submission).

Conditions:
Ehlers-Danlos syndrome, type 4 (EDSVASC). Also called: Ehlers-Danlos syndrome vascular type; Ehlers Danlos syndrome, ecchymotic type; Ehlers Danlos syndrome, arterial type; Ehlers Danlos syndrome, Sack-Barabas type; Ehlers-Danlos Syndrome Type IV. Identifiers: Orphanet 286, MedGen C0268338, MONDO:0017314, OMIM 130050.

Submission:

Labcorp Genetics (formerly Invitae), Labcorp
Classification: Uncertain significance for Ehlers-Danlos syndrome, type 4. Last evaluated: 2023-04-19. Review status: criteria provided, single submitter. Criteria: Invitae Variant Classification Sherloc (09022015). Collection method: clinical testing. Allele origin: germline.
Comment: In summary, the available evidence is currently insufficient to determine the role of this variant in disease. Therefore, it has been classified as a Variant of Uncertain Significance. Advanced modeling of protein sequence and biophysical properties (such as structural, functional, and spatial information, amino acid conservation, physicochemical variation, residue mobility, and thermodynamic stability) performed at Invitae indicates that this missense variant is not expected to disrupt COL3A1 protein function. This variant has not been reported in the literature in individuals affected with COL3A1-related conditions. This variant is not present in population databases (gnomAD no frequency). This sequence change replaces proline, which is neutral and non-polar, with serine, which is neutral and polar, at codon 226 of the COL3A1 protein (p.Pro226Ser).